The following is an entry in ClinVar:

NM_000152.5(GAA):c.2234T>C (p.Leu745Pro)

Gene: GAA (alpha glucosidase; plus strand). Cytogenetic location: 17q25.3.
Variant type: single nucleotide variant.
Coding change: c.2234T>C on transcript NM_000152.5 (MANE Select); coding-DNA position 2234, T replaced by C.
Protein change: p.Leu745Pro; replaces leucine 745 with proline.
Molecular consequence: missense variant.
Genome position (GRCh38, 1-based): chr17:80,117,012, T>C. VCF-style: chr17-80117012-T-C. GRCh37 (hg19) VCF-style: chr17-78090811-T-C.
Other names: c.2234T>C, p.Leu745Pro (NM_001079803.3, NM_001079804.3, NM_001406741.1 and 1 more transcripts); short protein forms L745P.
Identifiers: ClinVar variation 4876594 (VCV004876594.1).

ClinVar aggregate classification (germline): Uncertain significance (1 of 4 stars; one submission).

Conditions:
Glycogen storage disease, type II (IOPD). Also called: Pompe Disease; CARDIOMEGALIA GLYCOGENICA DIFFUSA; GLYCOGENOSIS, GENERALIZED, CARDIAC FORM; GSD II; POMPE DISEASE, INFANTILE-ONSET; GLYCOGEN STORAGE DISEASE II, INFANTILE-ONSET. Identifiers: Orphanet 365, MedGen C0017921, MONDO:0009290, OMIM 232300.

gnomAD v4.1: 1 of 1,613,692 alleles (0.000062%); no homozygotes.

Submission:

Genomenon, Inc
Classification: Uncertain significance for Glycogen storage disease, type II. Last evaluated: 2026-07-01. Review status: criteria provided, single submitter. Criteria: Genomenon Sequence Variant Interpretation Standards - Updated. Collection method: curation. Allele origin: germline. Affected: yes.
Comment: GAA p.Leu745Pro (c.2234T>C) is a missense variant that changes the amino acid at codon 745 from Leucine to Proline. This variant has been observed in at least one proband with a GAA-related disorder in the compound heterozygous and/or homozygous state (PMID:31606152;30214072). It is absent or not present at a significant frequency in gnomAD. In silico models predict that this variant is possibly or probably damaging. In conclusion, we classify GAA p.Leu745Pro (c.2234T>C) as a variant of uncertain significance.

Literature cited by the submitters: PubMed 31606152; PubMed 30214072.